The following is an entry in ClinVar:

NM_153704.6(TMEM67):c.2759dup (p.Tyr920Ter)

Gene: TMEM67 (transmembrane protein 67; plus strand). Cytogenetic location: 8q22.1.
Variant type: Duplication.
Coding change: c.2759dup on transcript NM_153704.6 (MANE Select); coding-DNA position 2759, one base duplicated (A; older notation c.2759dupA).
Protein change: p.Tyr920Ter; replaces tyrosine 920 with a stop codon.
Molecular consequence: nonsense. On other transcripts: frameshift variant (1), non-coding transcript variant (1).
Genome position (GRCh38, 1-based): chr8:93,809,882, A duplicated. VCF-style (leftmost placement, unchanged base first): chr8-93809881-T-TA. GRCh37 (hg19) VCF-style: chr8-94822109-T-TA.
Other names: c.2759dupA (NM_153704.5); c.2516dup, p.Tyr839Ter (NM_001142301.1); short protein forms Y839*, Y920*.
Identifiers: ClinVar variation 2631065 (VCV002631065.1), dbSNP rs1228731181, ClinGen allele CA857051723.

ClinVar aggregate classification (germline): Likely pathogenic (1 of 4 stars; one submission).

Conditions:
TMEM67-related disorder. Also called: TMEM67-related condition; TMEM67-related disorders. Identifiers: MedGen CN239423.

Allele frequency attached by ClinVar (database versions not stated): gnomAD 0.00001; TOPMed 0.00001.

Submission:

PreventionGenetics, part of Exact Sciences
Classification: Likely pathogenic for TMEM67-related condition. Last evaluated: 2023-09-18. Review status: criteria provided, single submitter. Criteria: ACMG Guidelines, 2015. Collection method: clinical testing. Allele origin: germline.
Comment: The TMEM67 c.2759dupA variant is predicted to result in premature protein termination (p.Tyr920*). To our knowledge, this variant has not been reported in the literature or in a large population database, indicating this variant is rare. Nonsense variants in TMEM67 are expected to be pathogenic. This variant is interpreted as likely pathogenic.